The following is an entry in ClinVar:

NM_182914.3(SYNE2):c.2844G>C (p.Lys948Asn)

Gene: SYNE2 (spectrin repeat containing nuclear envelope protein 2; plus strand). Cytogenetic location: 14q23.2.
Variant type: single nucleotide variant.
Coding change: c.2844G>C on transcript NM_182914.3 (MANE Select); coding-DNA position 2844, G replaced by C.
Protein change: p.Lys948Asn; replaces lysine 948 with asparagine.
Molecular consequence: missense variant.
Genome position (GRCh38, 1-based): chr14:63,995,106, G>C. VCF-style: chr14-63995106-G-C. GRCh37 (hg19) VCF-style: chr14-64461824-G-C.
Other names: c.2844G>C, p.Lys948Asn (NM_015180.6); c.2844G>C (NM_182914.2); short protein forms K948N.
Identifiers: ClinVar variation 1901342 (VCV001901342.7), dbSNP rs201633972, ClinGen allele CA7219810.

ClinVar aggregate classification (germline): Uncertain significance. Review status: criteria provided, multiple submitters, no conflicts (2 of 4 stars). 2 submissions from 2 submitters: Uncertain significance (2). Last evaluated 2023-01-06.

Conditions:
Emery-Dreifuss muscular dystrophy 5, autosomal dominant (EDMD5). Also called: EMERY-DREIFUSS MUSCULAR DYSTROPHY 5. Identifiers: Orphanet 261, MedGen C2751805, MONDO:0013072, OMIM 612999.

Allele frequency attached by ClinVar (database versions not stated): ExAC 0.00003; TOPMed 0.00003; gnomAD 0.00004; gnomAD exomes 0.00004; ESP Exome Variant Server 0.00009.
gnomAD v4.1: 60 of 1,591,110 alleles (0.0038%); highest among the groups gnomAD compares: Non-Finnish European, 0.0051%; no homozygotes.

Submissions (2):

Ambry Genetics
Classification: Uncertain significance. Last evaluated: 2023-01-06. Review status: criteria provided, single submitter. Criteria: Ambry Variant Classification Scheme 2023. Collection method: clinical testing. Allele origin: germline.

Labcorp Genetics (formerly Invitae), Labcorp
Classification: Uncertain significance for Emery-Dreifuss muscular dystrophy 5, autosomal dominant. Last evaluated: 2022-05-19. Review status: criteria provided, single submitter. Criteria: Invitae Variant Classification Sherloc (09022015). Collection method: clinical testing. Allele origin: germline.
Comment: This sequence change replaces lysine, which is basic and polar, with asparagine, which is neutral and polar, at codon 948 of the SYNE2 protein (p.Lys948Asn). This variant is present in population databases (rs201633972, gnomAD 0.004%). This variant has not been reported in the literature in individuals affected with SYNE2-related conditions. Algorithms developed to predict the effect of missense changes on protein structure and function are either unavailable or do not agree on the potential impact of this missense change (SIFT: "Deleterious"; PolyPhen-2: "Probably Damaging"; Align-GVGD: "Class C0"). In summary, the available evidence is currently insufficient to determine the role of this variant in disease. Therefore, it has been classified as a Variant of Uncertain Significance.